The following is an entry in ClinVar:

NM_003073.5(SMARCB1):c.340A>C (p.Thr114Pro)

Gene: SMARCB1 (SWI/SNF related BAF chromatin remodeling complex subunit B1; plus strand). Cytogenetic location: 22q11.23.
Variant type: single nucleotide variant.
Coding change: c.340A>C on transcript NM_003073.5 (MANE Select); coding-DNA position 340, A replaced by C.
Protein change: p.Thr114Pro; replaces threonine 114 with proline.
Molecular consequence: missense variant.
Genome position (GRCh38, 1-based): chr22:23,793,666, A>C. VCF-style: chr22-23793666-A-C. GRCh37 (hg19) VCF-style: chr22-24135853-A-C.
Other names: c.340A>C (LRG_520t1); c.313A>C, p.Thr105Pro (NM_001007468.3, NM_001317946.2); c.340A>C, p.Thr114Pro (NM_001362877.2); short protein forms T105P, T114P.
Identifiers: ClinVar variation 655687 (VCV000655687.9), dbSNP rs750822703, ClinGen allele CA10145891.

ClinVar aggregate classification (germline): Conflicting classifications of pathogenicity. Review status: criteria provided, conflicting classifications (1 of 4 stars). 2 submissions from 2 submitters: Uncertain significance (1); Benign (1). Last evaluated 2024-06-05.

Conditions:
Hereditary cancer-predisposing syndrome. Also called: Hereditary neoplastic syndrome; Tumor predisposition; Neoplastic Syndromes, Hereditary; Hereditary Cancer Syndrome. Identifiers: Orphanet 140162, MedGen C0027672, MeSH D009386, MONDO:0015356.

Allele frequency attached by ClinVar (database versions not stated): gnomAD exomes 0.00001; ExAC 0.00001.
gnomAD v4.1: 6 of 1,614,232 alleles (0.00037%); highest among the groups gnomAD compares: East Asian, 0.013%; no homozygotes.

Submissions (2):

Labcorp Genetics (formerly Invitae), Labcorp
Classification: Uncertain significance. Last evaluated: 2024-06-05. Review status: criteria provided, single submitter. Criteria: Invitae Variant Classification Sherloc (09022015). Collection method: clinical testing. Allele origin: germline.
Comment: This sequence change replaces threonine, which is neutral and polar, with proline, which is neutral and non-polar, at codon 114 of the SMARCB1 protein (p.Thr114Pro). This variant is present in population databases (rs750822703, gnomAD 0.02%). This variant has not been reported in the literature in individuals affected with SMARCB1-related conditions. ClinVar contains an entry for this variant (Variation ID: 655687). Advanced modeling of protein sequence and biophysical properties (such as structural, functional, and spatial information, amino acid conservation, physicochemical variation, residue mobility, and thermodynamic stability) performed at Invitae indicates that this missense variant is not expected to disrupt SMARCB1 protein function with a negative predictive value of 80%. In summary, the available evidence is currently insufficient to determine the role of this variant in disease. Therefore, it has been classified as a Variant of Uncertain Significance.

Ambry Genetics
Classification: Benign for Hereditary cancer-predisposing syndrome. Last evaluated: 2024-02-22. Review status: criteria provided, single submitter. Criteria: Ambry Variant Classification Scheme 2023. Collection method: clinical testing. Allele origin: germline.